The following is an entry in ClinVar:

NM_005228.5(EGFR):c.2023C>T (p.Arg675Trp)

Gene: EGFR (epidermal growth factor receptor; plus strand). Cytogenetic location: 7p11.2.
Variant type: single nucleotide variant.
Coding change: c.2023C>T on transcript NM_005228.5 (MANE Select); coding-DNA position 2023, C replaced by T.
Protein change: p.Arg675Trp; replaces arginine 675 with tryptophan.
Molecular consequence: missense variant.
Genome position (GRCh38, 1-based): chr7:55,173,086, C>T. VCF-style: chr7-55173086-C-T. GRCh37 (hg19) VCF-style: chr7-55240779-C-T.
Other names: c.1888C>T, p.Arg630Trp (NM_001346897.2, NM_001346899.2); c.2023C>T, p.Arg675Trp (NM_001346898.2); c.1864C>T, p.Arg622Trp (NM_001346900.2); c.1222C>T, p.Arg408Trp (NM_001346941.2); short protein forms R630W, R675W, R408W, R622W.
Identifiers: ClinVar variation 2960460 (VCV002960460.4), dbSNP rs1786429872, ClinGen allele CA367583177.
Genomic context (GRCh38, chr7:55,173,086, plus strand): 5'-CTCTTGCTGCTGGTGGTGGCCCTGGGGATCGGCCTCTTCATGCGAAGGCGCCACATCGTT[C>T]GGAAGCGCACGCTGCGGAGGCTGCTGCAGGAGAGGGAGGTGAGTGCCAGTCCTGGGTGGG-3'
Protein context (NP_005219.2, residues 665-685): GLFMRRRHIV[Arg675Trp]KRTLRRLLQE

ClinVar aggregate classification (germline): Uncertain significance. Review status: criteria provided, multiple submitters, no conflicts (2 of 4 stars). 2 submissions from 2 submitters: Uncertain significance (2). Last evaluated 2026-05-26.

Conditions:
Hereditary cancer-predisposing syndrome. Also called: Hereditary neoplastic syndrome; Neoplastic Syndromes, Hereditary; Tumor predisposition; Hereditary Cancer Syndrome. Identifiers: Orphanet 140162, MedGen C0027672, MeSH D009386, MONDO:0015356.
EGFR-related lung cancer (EGFR). Identifiers: MedGen CN130014.

Allele frequency attached by ClinVar (database versions not stated): gnomAD exomes below 0.00001; gnomAD 0.00001.
gnomAD v4.1: 5 of 1,612,648 alleles (0.00031%); highest among the groups gnomAD compares: Middle Eastern, 0.016%; no homozygotes.

Submissions (2):

Ambry Genetics
Classification: Uncertain significance for Hereditary cancer-predisposing syndrome. Last evaluated: 2026-05-26. Review status: criteria provided, single submitter. Criteria: Ambry Variant Classification Scheme 2023. Collection method: clinical testing. Allele origin: germline.
Comment: The p.R675W variant (also known as c.2023C>T), located in coding exon 17 of the EGFR gene, results from a C to T substitution at nucleotide position 2023. The arginine at codon 675 is replaced by tryptophan, an amino acid with dissimilar properties. This amino acid position is highly conserved in available vertebrate species. In addition, the in silico prediction for this alteration is inconclusive. Based on the available evidence, the clinical significance of this variant remains unclear.

Labcorp Genetics (formerly Invitae), Labcorp
Classification: Uncertain significance for EGFR-related lung cancer. Last evaluated: 2025-12-10. Review status: criteria provided, single submitter. Criteria: Invitae Variant Classification Sherloc (09022015). Collection method: clinical testing. Allele origin: germline.
Comment: This sequence change replaces arginine, which is basic and polar, with tryptophan, which is neutral and slightly polar, at codon 675 of the EGFR protein (p.Arg675Trp). This variant is not present in population databases (gnomAD no frequency). This variant has not been reported in the literature in individuals affected with EGFR-related conditions. ClinVar contains an entry for this variant (Variation ID: 2960460). Invitae Evidence Modeling of protein sequence and biophysical properties (such as structural, functional, and spatial information, amino acid conservation, physicochemical variation, residue mobility, and thermodynamic stability) indicates that this missense variant is not expected to disrupt EGFR protein function with a negative predictive value of 80%. In summary, the available evidence is currently insufficient to determine the role of this variant in disease. Therefore, it has been classified as a Variant of Uncertain Significance.